The following is an entry in ClinVar:

NM_004535.3(MYT1):c.3249C>T (p.Cys1083=)

Gene: MYT1 (myelin transcription factor 1; plus strand). Cytogenetic location: 20q13.33.
Variant type: single nucleotide variant.
Coding change: c.3249C>T on transcript NM_004535.3 (MANE Select); coding-DNA position 3249, C replaced by T.
Protein change: p.Cys1083=; no amino-acid change (cysteine 1083 retained).
Molecular consequence: synonymous variant.
Genome position (GRCh38, 1-based): chr20:64,240,331, C>T. VCF-style: chr20-64240331-C-T. GRCh37 (hg19) VCF-style: chr20-62871684-C-T.
Identifiers: ClinVar variation 729756 (VCV000729756.20), dbSNP rs146742305, ClinGen allele CA9975501.

ClinVar aggregate classification (germline): Likely benign. Review status: criteria provided, multiple submitters, no conflicts (2 of 4 stars). 4 submissions from 4 submitters: Likely benign (3). 1 of the submissions does not count toward it. Last evaluated 2025-02-01.

Conditions:
MYT1-related disorder. Also called: MYT1-related condition.

Allele frequency attached by ClinVar (database versions not stated): 1000 Genomes Project 0.00040; 1000 Genomes Project 30x 0.00047; ExAC 0.00076; TOPMed 0.00134; gnomAD 0.00136 and 0.00141; ESP Exome Variant Server 0.00169; gnomAD exomes 0.00192.
gnomAD v4.1: 2,982 of 1,613,842 alleles (0.18%); highest among the groups gnomAD compares: Non-Finnish European, 0.23%; 2 homozygotes.

Submissions (4):

CeGaT Center for Human Genetics Tuebingen
Classification: Likely benign. Last evaluated: 2025-02-01. Review status: criteria provided, single submitter. Criteria: CeGaT Center For Human Genetics Tuebingen Variant Classification Criteria Version 2. Collection method: clinical testing. Allele origin: germline. Affected: yes. Observed: 1 variant allele.
Comment: MYT1: BP4, BP7

Blueprint Genetics
Classification: Likely benign. Last evaluated: 2024-11-20. Review status: criteria provided, single submitter. Criteria: ACMG Guidelines, 2015. Collection method: clinical testing. Allele origin: germline.

Labcorp Genetics (formerly Invitae), Labcorp
Classification: Likely benign. Last evaluated: 2019-12-31. Review status: criteria provided, single submitter. Criteria: Invitae Variant Classification Sherloc (09022015). Collection method: clinical testing. Allele origin: germline.

PreventionGenetics, part of Exact Sciences
Classification: Likely benign for MYT1-related condition. Last evaluated: 2019-02-21. Review status: no assertion criteria provided. Collection method: clinical testing. Allele origin: germline. Not counted in ClinVar's aggregate classification.
Comment: This variant is classified as likely benign based on ACMG/AMP sequence variant interpretation guidelines (Richards et al. 2015 PMID: 25741868, with internal and published modifications).